The following is an entry in ClinVar:

ClinVar aggregate classification (germline): Likely pathogenic (1 of 4 stars; one submission).

Conditions:
Progressive sclerosing poliodystrophy (MTDPS4A). Also called: Mitochondrial DNA depletion syndrome 4A (Alpers type); ALPERS DIFFUSE DEGENERATION OF CEREBRAL GRAY MATTER WITH HEPATIC CIRRHOSIS; Alpers-Huttenlocher Syndrome; Mitochondrial DNA Depletion Syndrome 4A; Alpers-Huttenlocher Syndrome (AHS); ALPERS PROGRESSIVE INFANTILE POLIODYSTROPHY. Identifiers: Orphanet 726, MedGen C0205710, MONDO:0008758, OMIM 203700.

Submission:

Labcorp Genetics (formerly Invitae), Labcorp
Classification: Likely pathogenic for Progressive sclerosing poliodystrophy. Last evaluated: 2025-08-29. Review status: criteria provided, single submitter. Criteria: Invitae Variant Classification Sherloc (09022015). Collection method: clinical testing. Allele origin: germline.
Comment: This sequence change replaces alanine, which is neutral and non-polar, with aspartic acid, which is acidic and polar, at codon 781 of the POLG protein (p.Ala781Asp). This variant is not present in population databases (gnomAD no frequency). This variant has not been reported in the literature in individuals affected with POLG-related conditions. Invitae Evidence Modeling of protein sequence and biophysical properties (such as structural, functional, and spatial information, amino acid conservation, physicochemical variation, residue mobility, and thermodynamic stability) indicates that this missense variant is expected to disrupt POLG protein function with a positive predictive value of 95%. This variant disrupts the p.Ala781 amino acid residue in POLG. Other variant(s) that disrupt this residue have been determined to be pathogenic (PMID: 31425757). This suggests that this residue is clinically significant, and that variants that disrupt this residue are likely to be disease-causing. In summary, the currently available evidence indicates that the variant is pathogenic, but additional data are needed to prove that conclusively. Therefore, this variant has been classified as Likely Pathogenic.

Literature cited by the submitters: PubMed 31425757.

NM_002693.3(POLG):c.2342C>A (p.Ala781Asp)

Gene: POLG (DNA polymerase gamma, catalytic subunit; minus strand). Cytogenetic location: 15q26.1.
Variant type: single nucleotide variant.
Coding change: c.2342C>A on transcript NM_002693.3 (MANE Select); coding-DNA position 2342, C replaced by A.
Protein change: p.Ala781Asp; replaces alanine 781 with aspartic acid.
Molecular consequence: missense variant.
Genome position (GRCh38, 1-based): chr15:89,322,826, G>T on the plus strand (C>A on the coding strand, the complement: POLG is on the minus strand). VCF-style: chr15-89322826-G-T. GRCh37 (hg19) VCF-style: chr15-89866057-G-T.
Other names: c.2342C>A, p.Ala781Asp (NM_001126131.2); short protein forms A781D.
Identifiers: ClinVar variation 4754421 (VCV004754421.1).